The following is an entry in ClinVar:

NM_001148.6(ANK2):c.4817A>G (p.Lys1606Arg)

Gene: ANK2 (ankyrin 2; plus strand). Cytogenetic location: 4q26.
Variant type: single nucleotide variant.
Coding change: c.4817A>G on transcript NM_001148.6 (MANE Select); coding-DNA position 4817, A replaced by G.
Protein change: p.Lys1606Arg; replaces lysine 1606 with arginine.
Molecular consequence: missense variant. On other transcripts: intron variant (68).
Genome position (GRCh38, 1-based): chr4:113,353,435, A>G. VCF-style: chr4-113353435-A-G. GRCh37 (hg19) VCF-style: chr4-114274591-A-G.
Other names: c.4252+3186A>G (NM_001386147.1); c.4270+3186A>G (NM_001386160.1); c.4375+3186A>G (NM_001354254.2); c.4396+3186A>G (NM_001354239.2, NM_001354252.2); c.4297+3186A>G (NM_001354272.2); c.4360+3186A>G (NM_001354244.2, NM_001354256.2, NM_001386161.1); c.4399+3186A>G (NM_001127493.3); c.4363+3186A>G (NM_001386143.1, NM_001354243.2, NM_001354255.2); and 35 more; short protein forms K1528R, K1606R, K1645R, K1653R, K406R.
Identifiers: ClinVar variation 4886681 (VCV004886681.2).
Genomic context (GRCh38, chr4:113,353,435, plus strand): 5'-GATTAGTTGAAGAGGAATGGGTTATTGTCAGTGATGAGGAAATAGAAGAGGCTAGGCAAA[A>G]AGCACCTTTAGAAATCACTGAATATCCATGTGTAGAAGTTAGAATAGATAAAGAGATCAA-3'
Protein context (NP_001139.3, residues 1596-1616): SDEEIEEARQ[Lys1606Arg]APLEITEYPC

ClinVar aggregate classification (germline): Uncertain significance (1 of 4 stars; one submission).

gnomAD v4.1: 2 of 1,613,954 alleles (0.00012%); highest among the groups gnomAD compares: African/African-American, 0.0013%; no homozygotes.

Submission:

Dasa
Classification: Uncertain significance. Last evaluated: 2025-05-22. Review status: criteria provided, single submitter. Criteria: DASA Assertion Criteria. Collection method: clinical testing. Allele origin: germline.
Comment: NM_001148.6(ANK2):c.4817A>G (p.Lys1606Arg) is a missense variant that results in the substitution of lysine with arginine. This variant is rare in population databases. Computational prediction algorithms are consistent with a benign effect. The currently available literature and clinical evidence are not sufficient to establish a definitive association between this variant and the reported condition. Therefore, this variant is classified as a variant of uncertain significance.